The following is an entry in ClinVar:

NM_001330691.3(CEP78):c.878A>G (p.Lys293Arg)

Gene: CEP78 (centrosomal protein 78; plus strand). Cytogenetic location: 9q21.2.
Variant type: single nucleotide variant.
Coding change: c.878A>G on transcript NM_001330691.3 (MANE Select); coding-DNA position 878, A replaced by G.
Protein change: p.Lys293Arg; replaces lysine 293 with arginine.
Molecular consequence: missense variant.
Genome position (GRCh38, 1-based): chr9:78,246,768, A>G. VCF-style: chr9-78246768-A-G. GRCh37 (hg19) VCF-style: chr9-80861684-A-G.
Other names: c.878A>G, p.Lys293Arg (NM_001098802.3, NM_001330693.3, NM_001330694.2 and 4 more transcripts); short protein forms K293R.
Identifiers: ClinVar variation 3005164 (VCV003005164.2), dbSNP rs369627645, ClinGen allele CA5095049.
Genomic context (GRCh38, chr9:78,246,768, plus strand): 5'-CAAAGGCTTTGCTAGAGGCCCTTGAAACCAATACAACTCTGGTCGTTCTGGATATAAGAA[A>G]AAATCCACTCATTGGTATGTCGCTACAATATTTTTTATTGACTAACAAATAGCAAAAGAA-3'
Protein context (NP_001317620.1, residues 283-303): NTTLVVLDIR[Lys293Arg]NPLIDHSMMK

ClinVar aggregate classification (germline): Uncertain significance (1 of 4 stars; one submission).

Allele frequency attached by ClinVar (database versions not stated): gnomAD 0.00001; gnomAD exomes 0.00001; TOPMed 0.00001; ExAC 0.00003; ESP Exome Variant Server 0.00008.
gnomAD v4.1: 21 of 1,586,414 alleles (0.0013%); highest among the groups gnomAD compares: Non-Finnish European, 0.0015%; no homozygotes.

Submission:

Labcorp Genetics (formerly Invitae), Labcorp
Classification: Uncertain significance. Last evaluated: 2023-02-24. Review status: criteria provided, single submitter. Criteria: Invitae Variant Classification Sherloc (09022015). Collection method: clinical testing. Allele origin: germline.
Comment: This variant has not been reported in the literature in individuals affected with CEP78-related conditions. In summary, the available evidence is currently insufficient to determine the role of this variant in disease. Therefore, it has been classified as a Variant of Uncertain Significance. Advanced modeling of protein sequence and biophysical properties (such as structural, functional, and spatial information, amino acid conservation, physicochemical variation, residue mobility, and thermodynamic stability) performed at Invitae indicates that this missense variant is not expected to disrupt CEP78 protein function. This variant is present in population databases (rs369627645, gnomAD 0.004%). This sequence change replaces lysine, which is basic and polar, with arginine, which is basic and polar, at codon 293 of the CEP78 protein (p.Lys293Arg).